The following is an entry in ClinVar:

NM_017617.5(NOTCH1):c.1650C>G (p.Tyr550Ter)

Gene: NOTCH1 (notch receptor 1; minus strand). Cytogenetic location: 9q34.3.
Variant type: single nucleotide variant.
Coding change: c.1650C>G on transcript NM_017617.5 (MANE Select); coding-DNA position 1650, C replaced by G.
Protein change: p.Tyr550Ter; replaces tyrosine 550 with a stop codon.
Molecular consequence: nonsense.
Genome position (GRCh38, 1-based): chr9:136,516,000, G>C on the plus strand (C>G on the coding strand, the complement: NOTCH1 is on the minus strand). VCF-style: chr9-136516000-G-C. GRCh37 (hg19) VCF-style: chr9-139410452-G-C.
Other names: short protein forms Y550*.
Identifiers: ClinVar variation 3340288 (VCV003340288.1).

ClinVar aggregate classification (germline): Pathogenic (1 of 4 stars; one submission).

Submission:

GeneDx
Classification: Pathogenic. Last evaluated: 2023-11-25. Review status: criteria provided, single submitter. Criteria: GeneDx Variant Classification Process June 2021. Collection method: clinical testing. Allele origin: germline. Affected: yes.
Comment: Nonsense variant predicted to result in protein truncation or nonsense mediated decay in a gene for which loss of function is a known mechanism of disease; Not observed at significant frequency in large population cohorts (gnomAD); This variant is associated with the following publications: (PMID: 26820064)